The following is an entry in ClinVar:

ClinVar aggregate classification (germline): Pathogenic/Likely pathogenic. Review status: criteria provided, multiple submitters, no conflicts (2 of 4 stars). 2 submissions from 2 submitters: Pathogenic (1); Likely pathogenic (1). Last evaluated 2025-06-24.

Submissions (2):

GeneDx
Classification: Pathogenic. Last evaluated: 2025-06-24. Review status: criteria provided, single submitter. Criteria: GeneDx Variant Classification Process June 2021. Collection method: clinical testing. Allele origin: germline. Affected: yes.
Comment: Affects a glycine residue in a Gly-X-Y motif in the triple helical region of the COL4A1 gene, where the majority of pathogenic missense variants occur, and is predicted to disrupt normal protein folding and function (HGMD; PMID: 22522439, 23225343); In silico analysis supports that this missense variant has a deleterious effect on protein structure/function; Not observed at significant frequency in large population cohorts (gnomAD); This variant is associated with the following publications: (PMID: 22522439, 23225343, 25719457)

Revvity Omics, Revvity
Classification: Likely pathogenic. Last evaluated: 2021-11-05. Review status: criteria provided, single submitter. Criteria: ACMG Guidelines, 2015. Collection method: clinical testing. Allele origin: germline.

NM_001845.6(COL4A1):c.2636G>A (p.Gly879Glu)

Gene: COL4A1 (collagen type IV alpha 1 chain; minus strand). Cytogenetic location: 13q34.
Variant type: single nucleotide variant.
Coding change: c.2636G>A on transcript NM_001845.6 (MANE Select); coding-DNA position 2636, G replaced by A.
Protein change: p.Gly879Glu; replaces glycine 879 with glutamic acid.
Molecular consequence: missense variant.
Genome position (GRCh38, 1-based): chr13:110,177,922, C>T on the plus strand (G>A on the coding strand, the complement: COL4A1 is on the minus strand). VCF-style: chr13-110177922-C-T. GRCh37 (hg19) VCF-style: chr13-110830269-C-T.
Other names: c.2636G>A (NM_001845.4); short protein forms G879E.
Identifiers: ClinVar variation 1324112 (VCV001324112.5), dbSNP rs2139164015, ClinGen allele CA388667667.